The following is an entry in ClinVar:

ClinVar aggregate classification (germline): Uncertain significance (1 of 4 stars; one submission).

Conditions:
Nephrotic syndrome, type 23. Identifiers: MedGen C5543092, MONDO:0030962, OMIM 619201.

Submission:

Laboratorio de Genetica e Diagnostico Molecular, Hospital Israelita Albert Einstein
Classification: Uncertain significance for Nephrotic syndrome, type 23. Last evaluated: 2023-11-13. Review status: criteria provided, single submitter. Criteria: ACMG Guidelines, 2015. Collection method: clinical testing. Allele origin: germline. Affected: yes.
Comment: ACMG classification criteria: PM2 moderate

NM_018240.7(KIRREL1):c.53-1707A>G

Gene: KIRREL1 (kirre like nephrin family adhesion molecule 1; plus strand). Cytogenetic location: 1q23.1.
Variant type: single nucleotide variant.
Coding change: c.53-1707A>G on transcript NM_018240.7 (MANE Select); 1707 bases into the intron before coding-DNA position 53, A replaced by G.
Molecular consequence: intron variant.
Genome position (GRCh38, 1-based): chr1:158,074,406, A>G. VCF-style: chr1-158074406-A-G. GRCh37 (hg19) VCF-style: chr1-158044196-A-G.
Other names: c.53-10016A>G (NM_001286349.2).
Identifiers: ClinVar variation 4056547 (VCV004056547.1).